The following is an entry in ClinVar:

ClinVar aggregate classification (germline): Uncertain significance. Review status: criteria provided, multiple submitters, no conflicts (2 of 4 stars). 2 submissions from 2 submitters: Uncertain significance (2). Last evaluated 2022-11-22.

Conditions:
Diffuse cerebral and cerebellar atrophy - intractable seizures - progressive microcephaly syndrome. Also called: Microcephaly, progressive, with seizures and cerebral and cerebellar atrophy. Identifiers: Orphanet 404437, MedGen C4014239, MONDO:0014335, OMIM 615760.

Allele frequency attached by ClinVar (database versions not stated): TOPMed below 0.00001; gnomAD 0.00001; gnomAD exomes 0.00001; ExAC 0.00002.
gnomAD v4.1: 20 of 1,613,712 alleles (0.0012%); highest among the groups gnomAD compares: Non-Finnish European, 0.0016%; no homozygotes.

Submissions (2):

Labcorp Genetics (formerly Invitae), Labcorp
Classification: Uncertain significance for Diffuse cerebral and cerebellar atrophy - intractable seizures - progressive microcephaly syndrome. Last evaluated: 2022-11-22. Review status: criteria provided, single submitter. Criteria: Invitae Variant Classification Sherloc (09022015). Collection method: clinical testing. Allele origin: germline.
Comment: This variant is present in population databases (rs750778308, gnomAD 0.003%). This sequence change replaces glutamic acid, which is acidic and polar, with glycine, which is neutral and non-polar, at codon 140 of the QARS protein (p.Glu140Gly). This variant has not been reported in the literature in individuals affected with QARS-related conditions. In summary, the available evidence is currently insufficient to determine the role of this variant in disease. Therefore, it has been classified as a Variant of Uncertain Significance. Advanced modeling of protein sequence and biophysical properties (such as structural, functional, and spatial information, amino acid conservation, physicochemical variation, residue mobility, and thermodynamic stability) has been performed at Invitae for this missense variant, however the output from this modeling did not meet the statistical confidence thresholds required to predict the impact of this variant on QARS protein function. ClinVar contains an entry for this variant (Variation ID: 1302668).

GeneDx
Classification: Uncertain significance. Last evaluated: 2019-05-03. Review status: criteria provided, single submitter. Criteria: GeneDx Variant Classification Process June 2021. Collection method: clinical testing. Allele origin: germline. Affected: yes.
Comment: Not observed at a significant frequency in large population cohorts (Lek et al., 2016); In silico analysis, which includes protein predictors and evolutionary conservation, supports a deleterious effect; Has not been previously published as pathogenic or benign to our knowledge

NM_005051.3(QARS1):c.419A>G (p.Glu140Gly)

Gene: QARS1 (glutaminyl-tRNA synthetase 1; minus strand). Cytogenetic location: 3p21.31.
Variant type: single nucleotide variant.
Coding change: c.419A>G on transcript NM_005051.3 (MANE Select); coding-DNA position 419, A replaced by G.
Protein change: p.Glu140Gly; replaces glutamic acid 140 with glycine.
Molecular consequence: missense variant. On other transcripts: non-coding transcript variant (1).
Genome position (GRCh38, 1-based): chr3:49,103,663, T>C on the plus strand (A>G on the coding strand, the complement: QARS1 is on the minus strand). VCF-style: chr3-49103663-T-C. GRCh37 (hg19) VCF-style: chr3-49141096-T-C.
Other names: c.386A>G, p.Glu129Gly (NM_001272073.2); short protein forms E129G, E140G.
Identifiers: ClinVar variation 1302668 (VCV001302668.8), dbSNP rs750778308, ClinGen allele CA2392175.